The following is an entry in ClinVar:

NM_002691.4(POLD1):c.28G>A (p.Gly10Arg)

Gene: POLD1 (DNA polymerase delta 1, catalytic subunit; plus strand). Cytogenetic location: 19q13.33.
Variant type: single nucleotide variant.
Coding change: c.28G>A on transcript NM_002691.4 (MANE Select); coding-DNA position 28, G replaced by A.
Protein change: p.Gly10Arg; replaces glycine 10 with arginine.
Molecular consequence: missense variant. On other transcripts: non-coding transcript variant (1).
Genome position (GRCh38, 1-based): chr19:50,398,879, G>A. VCF-style: chr19-50398879-G-A. GRCh37 (hg19) VCF-style: chr19-50902136-G-A.
Other names: c.28G>A, p.Gly10Arg (NM_001256849.1, NM_001308632.1); c.28G>A (NM_002691.2); short protein forms G10R.
Identifiers: ClinVar variation 972395 (VCV000972395.10), dbSNP rs2038469598, ClinGen allele CA406970004.

ClinVar aggregate classification (germline): Uncertain significance. Review status: criteria provided, multiple submitters, no conflicts (2 of 4 stars). 2 submissions from 2 submitters: Uncertain significance (2). Last evaluated 2025-06-23.

Conditions:
POLD1-related polyposis and colorectal cancer syndrome (CRCS10). Also called: Colorectal cancer 10; COLORECTAL CANCER, SUSCEPTIBILITY TO, ON CHROMOSOME 19q; Colorectal cancer, susceptibility to, 10. Identifiers: Orphanet 220460, MedGen C2675481, MONDO:0012953, OMIM 612591.
Hereditary cancer-predisposing syndrome. Also called: Tumor predisposition; Hereditary Cancer Syndrome; Hereditary neoplastic syndrome; Neoplastic Syndromes, Hereditary. Identifiers: Orphanet 140162, MedGen C0027672, MeSH D009386, MONDO:0015356.

Submissions (2):

Labcorp Genetics (formerly Invitae), Labcorp
Classification: Uncertain significance for POLD1-related polyposis and colorectal cancer syndrome. Last evaluated: 2025-06-23. Review status: criteria provided, single submitter. Criteria: Invitae Variant Classification Sherloc (09022015). Collection method: clinical testing. Allele origin: germline.
Comment: This sequence change replaces glycine, which is neutral and non-polar, with arginine, which is basic and polar, at codon 10 of the POLD1 protein (p.Gly10Arg). This variant is not present in population databases (gnomAD no frequency). This variant has not been reported in the literature in individuals affected with POLD1-related conditions. ClinVar contains an entry for this variant (Variation ID: 972395). Experimental studies and prediction algorithms are not available or were not evaluated, and the functional significance of this variant is currently unknown. In summary, the available evidence is currently insufficient to determine the role of this variant in disease. Therefore, it has been classified as a Variant of Uncertain Significance.

Ambry Genetics
Classification: Uncertain significance for Hereditary cancer-predisposing syndrome. Last evaluated: 2025-06-20. Review status: criteria provided, single submitter. Criteria: Ambry Variant Classification Scheme 2023. Collection method: clinical testing. Allele origin: germline.
Comment: The p.G10R variant (also known as c.28G>A), located in coding exon 1 of the POLD1 gene, results from a G to A substitution at nucleotide position 28. The glycine at codon 10 is replaced by arginine, an amino acid with dissimilar properties. This amino acid position is conserved. In addition, this alteration is predicted to be tolerated by in silico analysis. Based on the available evidence, the clinical significance of this variant remains unclear.